The following is an entry in ClinVar:

NM_001267550.2(TTN):c.93766del (p.Glu31258fs)

Genes: TTN (titin; minus strand), TTN-AS1 (TTN antisense RNA 1; plus strand). Cytogenetic location: 2q31.2.
Variant type: Deletion.
Coding change: c.93766del on transcript NM_001267550.2 (MANE Select); coding-DNA position 93766, one base deleted (C; older notation c.93766delC).
Protein change: p.Glu31258fs; shifts the reading frame from glutamic acid 31258.
Molecular consequence: frameshift variant.
Genome position (GRCh38, 1-based): chr2:178,547,860, G deleted on the plus strand (C on the coding strand, the reverse complement: TTN is on the minus strand). VCF-style (leftmost placement, unchanged base first): chr2-178547859-AG-A. GRCh37 (hg19) VCF-style: chr2-179412586-AG-A.
Other names: c.88843del, p.Glu29617fs (NM_001256850.1); c.66571del, p.Glu22193fs (NM_003319.4); c.86062del, p.Glu28690fs (NM_133378.4); c.66946del, p.Glu22318fs (NM_133432.3); c.67147del, p.Glu22385fs (NM_133437.4); short protein forms E22318fs, E31258fs, E29617fs, E22385fs, E28690fs, E22193fs.
Identifiers: ClinVar variation 2942323 (VCV002942323.3), dbSNP rs2469107889, ClinGen allele CA2740095980.
Genomic context (GRCh38, chr2:178,547,859, plus strand): 5'-TTTACAGTCAGTGTGGTTCTGTCTTTTGTTGTTGTAATGCTCACTCGATCTGTCTCTTTA[AG>A]TCTCATTTCTTCCAGTTTCCATGTTACTTTGGGGGCAGGACGACCACTGATTGGTACGTC-3'

ClinVar aggregate classification (germline): Likely pathogenic (1 of 4 stars; one submission).

Conditions:
Dilated cardiomyopathy 1G (CMD1G). Identifiers: Orphanet 154, MedGen C1858763, MONDO:0011400, OMIM 604145.
Autosomal recessive limb-girdle muscular dystrophy type 2J (LGMDR10). Also called: MUSCULAR DYSTROPHY, LIMB-GIRDLE, AUTOSOMAL RECESSIVE 10; Limb-girdle muscular dystrophy, type 2J. Identifiers: Orphanet 140922, MedGen C1837342, MONDO:0012127, OMIM 608807.

Submission:

Labcorp Genetics (formerly Invitae), Labcorp
Classification: Likely pathogenic for Dilated cardiomyopathy 1G; Autosomal recessive limb-girdle muscular dystrophy type 2J. Last evaluated: 2022-12-15. Review status: criteria provided, single submitter. Criteria: Invitae Variant Classification Sherloc (09022015). Collection method: clinical testing. Allele origin: germline.
Comment: This sequence change creates a premature translational stop signal (p.Glu31258Argfs*5) in the TTN gene. While this is not anticipated to result in nonsense mediated decay, it is expected to create a truncated TTN protein. This variant is not present in population databases (gnomAD no frequency). This variant has not been reported in the literature in individuals affected with TTN-related conditions. This variant is located in the A band of TTN (PMID: 25589632). Truncating variants in this region are significantly overrepresented in patients affected with dilated cardiomyopathy (PMID: 25589632). Truncating variants in this region have also been reported in individuals affected with autosomal recessive centronuclear myopathy (PMID: 23975875). In summary, the currently available evidence indicates that the variant is pathogenic, but additional data are needed to prove that conclusively. Therefore, this variant has been classified as Likely Pathogenic.

Literature cited by the submitters: PubMed 25589632; PubMed 23975875.